The following is an entry in ClinVar:

ClinVar aggregate classification (germline): Benign (0 of 4 stars; one submission).

Conditions:
CEP170B-related disorder. Also called: CEP170B-related condition.

Allele frequency attached by ClinVar (database versions not stated): 1000 Genomes Project 0.00419; 1000 Genomes Project 30x 0.00437; ESP Exome Variant Server 0.00561.
gnomAD v4.1: 1,231 of 1,518,984 alleles (0.081%); highest among the groups gnomAD compares: African/African-American, 1.6%; 13 homozygotes.

Submission:

PreventionGenetics, part of Exact Sciences
Classification: Benign for CEP170B-related condition. Last evaluated: 2019-06-07. Review status: no assertion criteria provided. Collection method: clinical testing. Allele origin: germline.
Comment: This variant is classified as benign based on ACMG/AMP sequence variant interpretation guidelines (Richards et al. 2015 PMID: 25741868, with internal and published modifications).

NM_001112726.3(CEP170B):c.2368G>A (p.Gly790Arg)

Gene: CEP170B (centrosomal protein 170B; plus strand). Cytogenetic location: 14q32.33.
Variant type: single nucleotide variant.
Coding change: c.2368G>A on transcript NM_001112726.3 (MANE Select); coding-DNA position 2368, G replaced by A.
Protein change: p.Gly790Arg; replaces glycine 790 with arginine.
Molecular consequence: missense variant.
Genome position (GRCh38, 1-based): chr14:104,886,607, G>A. VCF-style: chr14-104886607-G-A. GRCh37 (hg19) VCF-style: chr14-105352944-G-A.
Other names: c.2158G>A, p.Gly720Arg (NM_015005.3); short protein forms G720R, G790R.
Identifiers: ClinVar variation 3043869 (VCV003043869.2), dbSNP rs185809405, ClinGen allele CA7375842.